The following is an entry in ClinVar:

NM_002834.5(PTPN11):c.1601A>G (p.Lys534Arg)

Gene: PTPN11 (protein tyrosine phosphatase non-receptor type 11; plus strand). Cytogenetic location: 12q24.13.
Variant type: single nucleotide variant.
Coding change: c.1601A>G on transcript NM_002834.5 (MANE Select); coding-DNA position 1601, A replaced by G.
Protein change: p.Lys534Arg; replaces lysine 534 with arginine.
Molecular consequence: missense variant.
Genome position (GRCh38, 1-based): chr12:112,502,145, A>G. VCF-style: chr12-112502145-A-G. GRCh37 (hg19) VCF-style: chr12-112939949-A-G.
Other names: c.1613A>G, p.Lys538Arg (NM_001330437.2); c.1598A>G, p.Lys533Arg (NM_001374625.1); short protein forms K533R, K538R, K534R.
Identifiers: ClinVar variation 3721079 (VCV003721079.2).

ClinVar aggregate classification (germline): Uncertain significance (1 of 4 stars; one submission).

Conditions:
RASopathy. Also called: Noonan spectrum disorder; rasopathies. Identifiers: Orphanet 536391, MedGen C5555857, MONDO:0021060.

Submission:

Labcorp Genetics (formerly Invitae), Labcorp
Classification: Uncertain significance for RASopathy. Last evaluated: 2025-04-14. Review status: criteria provided, single submitter. Criteria: Invitae Variant Classification Sherloc (09022015). Collection method: clinical testing. Allele origin: germline.
Comment: This sequence change replaces lysine, which is basic and polar, with arginine, which is basic and polar, at codon 534 of the PTPN11 protein (p.Lys534Arg). This variant is not present in population databases (gnomAD no frequency). This variant has not been reported in the literature in individuals affected with PTPN11-related conditions. ClinVar contains an entry for this variant (Variation ID: 3721079). Invitae Evidence Modeling of protein sequence and biophysical properties (such as structural, functional, and spatial information, amino acid conservation, physicochemical variation, residue mobility, and thermodynamic stability) indicates that this missense variant is not expected to disrupt PTPN11 protein function with a negative predictive value of 80%. In summary, the available evidence is currently insufficient to determine the role of this variant in disease. Therefore, it has been classified as a Variant of Uncertain Significance.